The following is an entry in ClinVar:

NM_001282225.2(ADA2):c.1190A>C (p.Tyr397Ser)

Gene: ADA2 (adenosine deaminase 2; minus strand). Cytogenetic location: 22q11.1.
Variant type: single nucleotide variant.
Coding change: c.1190A>C on transcript NM_001282225.2 (MANE Select); coding-DNA position 1190, A replaced by C.
Protein change: p.Tyr397Ser; replaces tyrosine 397 with serine.
Molecular consequence: missense variant.
Genome position (GRCh38, 1-based): chr22:17,182,653, T>G on the plus strand (A>C on the coding strand, the complement: ADA2 is on the minus strand). VCF-style: chr22-17182653-T-G. GRCh37 (hg19) VCF-style: chr22-17663543-T-G.
Other names: c.1190A>C, p.Tyr397Ser (NM_001282226.2); c.1064A>C, p.Tyr355Ser (NM_001282227.2, NM_001282228.2); c.830A>C, p.Tyr277Ser (NM_001282229.2); c.467A>C, p.Tyr156Ser (NM_177405.3); short protein forms Y397S, Y156S, Y277S, Y355S.
Identifiers: ClinVar variation 960634 (VCV000960634.7), dbSNP rs2061986476, ClinGen allele CA410232171.

ClinVar aggregate classification (germline): Uncertain significance (1 of 4 stars; one submission).

Conditions:
Deficiency of adenosine deaminase 2. Also called: Polyarteritis nodosa, childhoood-onset; Adenosine Deaminase 2 Deficiency; VASCULITIS, AUTOINFLAMMATION, IMMUNODEFICIENCY, AND HEMATOLOGIC DEFECTS SYNDROME. Identifiers: Orphanet 404553, MedGen C3887654, MONDO:0014306, OMIM 615688, MONDO:0100317.

Allele frequency attached by ClinVar (database versions not stated): gnomAD exomes below 0.00001.
gnomAD v4.1: 2 of 1,614,052 alleles (0.00012%); highest among the groups gnomAD compares: Non-Finnish European, 0.00017%; no homozygotes.

Submission:

Labcorp Genetics (formerly Invitae), Labcorp
Classification: Uncertain significance for Deficiency of adenosine deaminase 2. Last evaluated: 2021-08-26. Review status: criteria provided, single submitter. Criteria: Invitae Variant Classification Sherloc (09022015). Collection method: clinical testing. Allele origin: germline.
Comment: This sequence change replaces tyrosine with serine at codon 397 of the ADA2 protein (p.Tyr397Ser). The tyrosine residue is weakly conserved and there is a large physicochemical difference between tyrosine and serine. This variant is not present in population databases (ExAC no frequency). This variant has not been reported in the literature in individuals affected with ADA2-related conditions. Algorithms developed to predict the effect of missense changes on protein structure and function (SIFT, PolyPhen-2, Align-GVGD) all suggest that this variant is likely to be tolerated. In summary, the available evidence is currently insufficient to determine the role of this variant in disease. Therefore, it has been classified as a Variant of Uncertain Significance.